The following is an entry in ClinVar:

ClinVar aggregate classification (germline): Uncertain significance (1 of 4 stars; one submission).

Conditions:
Juvenile polyposis syndrome (JPS). Identifiers: Orphanet 2929, MedGen C0345893, MONDO:0017380, OMIM 174900.

Submission:

Labcorp Genetics (formerly Invitae), Labcorp
Classification: Uncertain significance for Juvenile polyposis syndrome. Last evaluated: 2019-11-27. Review status: criteria provided, single submitter. Criteria: Invitae Variant Classification Sherloc (09022015). Collection method: clinical testing. Allele origin: germline.
Comment: In summary, the available evidence is currently insufficient to determine the role of this variant in disease. Therefore, it has been classified as a Variant of Uncertain Significance. Algorithms developed to predict the effect of missense changes on protein structure and function (SIFT, PolyPhen-2, Align-GVGD) all suggest that this variant is likely to be tolerated, but these predictions have not been confirmed by published functional studies and their clinical significance is uncertain. This variant has not been reported in the literature in individuals with SMAD4-related conditions. This variant is not present in population databases (ExAC no frequency). This sequence change replaces histidine with glutamine at codon 305 of the SMAD4 protein (p.His305Gln). The histidine residue is highly conserved and there is a small physicochemical difference between histidine and glutamine.

NM_005359.6(SMAD4):c.915C>A (p.His305Gln)

Gene: SMAD4 (SMAD family member 4; plus strand). Cytogenetic location: 18q21.2.
Variant type: single nucleotide variant.
Coding change: c.915C>A on transcript NM_005359.6 (MANE Select); coding-DNA position 915, C replaced by A.
Protein change: p.His305Gln; replaces histidine 305 with glutamine.
Molecular consequence: missense variant.
Genome position (GRCh38, 1-based): chr18:51,059,876, C>A. VCF-style: chr18-51059876-C-A. GRCh37 (hg19) VCF-style: chr18-48586246-C-A.
Other names: short protein forms H305Q.
Identifiers: ClinVar variation 846483 (VCV000846483.9), dbSNP rs1909959040, ClinGen allele CA402463656.